The following is an entry in ClinVar:

ClinVar aggregate classification (germline): Pathogenic (1 of 4 stars; one submission).

Conditions:
Hereditary spastic paraplegia 11. Also called: SPASTIC PARAPLEGIA, AUTOSOMAL RECESSIVE, COMPLICATED, WITH THIN CORPUS CALLOSUM; SPASTIC PARAPLEGIA, AUTOSOMAL RECESSIVE, WITH MENTAL IMPAIRMENT AND THIN CORPUS CALLOSUM; Nakamura Osame syndrome; Autosomal recessive hereditary spastic paraplegia, mental impairment, and thin corpus callosum; Spastic Paraplegia 11; Spastic paraplegia, mental retardation and thin corpus callosum. Identifiers: Orphanet 2822, MedGen C1858479, MONDO:0011445, OMIM 604360.

Submission:

Labcorp Genetics (formerly Invitae), Labcorp
Classification: Pathogenic for Hereditary spastic paraplegia 11. Last evaluated: 2025-05-23. Review status: criteria provided, single submitter. Criteria: Invitae Variant Classification Sherloc (09022015). Collection method: clinical testing. Allele origin: germline.
Comment: This sequence change creates a premature translational stop signal (p.Trp1324*) in the SPG11 gene. It is expected to result in an absent or disrupted protein product. Loss-of-function variants in SPG11 are known to be pathogenic (PMID: 19105190, 20110243, 22154821, 26556829). This variant is not present in population databases (gnomAD no frequency). This variant has not been reported in the literature in individuals affected with SPG11-related conditions. Algorithms developed to predict the effect of sequence changes on RNA splicing suggest that this variant may create or strengthen a splice site. For these reasons, this variant has been classified as Pathogenic.

Literature cited by the submitters: PubMed 19105190; PubMed 20110243; PubMed 22154821; PubMed 26556829.

NM_025137.4(SPG11):c.3971G>A (p.Trp1324Ter)

Gene: SPG11 (SPG11 vesicle trafficking associated, spatacsin; minus strand). Cytogenetic location: 15q21.1.
Variant type: single nucleotide variant.
Coding change: c.3971G>A on transcript NM_025137.4 (MANE Select); coding-DNA position 3971, G replaced by A.
Protein change: p.Trp1324Ter; replaces tryptophan 1324 with a stop codon.
Molecular consequence: nonsense.
Genome position (GRCh38, 1-based): chr15:44,598,295, C>T on the plus strand (G>A on the coding strand, the complement: SPG11 is on the minus strand). VCF-style: chr15-44598295-C-T. GRCh37 (hg19) VCF-style: chr15-44890493-C-T.
Other names: c.3971G>A, p.Trp1324Ter (NM_001160227.2, NM_001411132.1); short protein forms W1324*.
Identifiers: ClinVar variation 4699088 (VCV004699088.1).